The following is an entry in ClinVar:

NC_000017.10:g.(?_41215330)_(41234612_?)del

Gene: BRCA1 (BRCA1 DNA repair associated; minus strand). Cytogenetic location: 17q21.31.
Variant type: Deletion.
Identifiers: ClinVar variation 1073077 (VCV001073077.2).

ClinVar aggregate classification (germline): Pathogenic (1 of 4 stars; one submission).

Conditions:
Hereditary breast ovarian cancer syndrome. Also called: Hereditary breast and ovarian cancer syndrome (HBOC); Hereditary breast and/or ovarian cancer syndrome; Hereditary breast and ovarian cancer; BRCA1- and BRCA2-Associated Hereditary Breast and Ovarian Cancer; Hereditary breast and ovarian cancer syndrome; Breast and ovarian cancer. Identifiers: Orphanet 145, MedGen C0677776, MeSH D061325, MONDO:0003582. Disease mechanism: loss of function.

Submission:

Labcorp Genetics (formerly Invitae), Labcorp
Classification: Pathogenic for Hereditary breast ovarian cancer syndrome. Last evaluated: 2022-09-25. Review status: criteria provided, single submitter. Criteria: Invitae Variant Classification Sherloc (09022015). Collection method: clinical testing. Allele origin: germline.
Comment: This variant is a gross deletion of the genomic region encompassing exon(s) 12-18 of the BRCA1 gene, which includes the termination codon. This deletion extends beyond the assayed region for this gene and therefore may encompass additional genes. While this deletion is not anticipated to lead to nonsense mediated decay, it is expected to alter mRNA translation or result in a truncated protein product. A similar copy number variant has been observed in individual(s) with breast cancer (PMID: 20135348). This variant is also known as a deletion of exons 13-19. This variant disrupts a region of the BRCA1 protein in which other variant(s) (exon 15-16 deletion) have been determined to be pathogenic (PMID: 18992264). This suggests that this is a clinically significant region of the protein, and that variants that disrupt it are likely to be disease-causing. For these reasons, this variant has been classified as Pathogenic.

Literature cited by the submitters: PubMed 20135348; PubMed 18992264.